The following is an entry in ClinVar:

NM_000180.4(GUCY2D):c.3025A>C (p.Met1009Leu)

Gene: GUCY2D (guanylate cyclase 2D, retinal; plus strand). Cytogenetic location: 17p13.1.
Variant type: single nucleotide variant.
Coding change: c.3025A>C on transcript NM_000180.4 (MANE Select); coding-DNA position 3025, A replaced by C.
Protein change: p.Met1009Leu; replaces methionine 1009 with leucine.
Molecular consequence: missense variant.
Genome position (GRCh38, 1-based): chr17:8,015,823, A>C. VCF-style: chr17-8015823-A-C. GRCh37 (hg19) VCF-style: chr17-7919141-A-C.
Other names: short protein forms M1009L.
Identifiers: ClinVar variation 866787 (VCV000866787.5), dbSNP rs61750188, ClinGen allele CA287534181.

ClinVar aggregate classification (germline): Pathogenic/Likely pathogenic. Review status: criteria provided, multiple submitters, no conflicts (2 of 4 stars). 4 submissions from 4 submitters: Pathogenic (2); Likely pathogenic (1). 1 of the submissions does not count toward it. Last evaluated 2024-12-05.

Conditions:
Leber congenital amaurosis (LCA). Also called: Leber's amaurosis. Identifiers: Orphanet 65, MedGen C0339527, MeSH D057130, MONDO:0018998.
GUCY2D-related disorders.

Allele frequency attached by ClinVar (database versions not stated): TOPMed below 0.00001; gnomAD 0.00001; gnomAD exomes 0.00001.

Submissions (4):

Women's Health and Genetics/Laboratory Corporation of America, LabCorp
Classification: Likely pathogenic for Leber congenital amaurosis. Last evaluated: 2024-12-05. Review status: criteria provided, single submitter. Criteria: LabCorp Variant Classification Summary - May 2015. Collection method: clinical testing. Allele origin: germline.
Comment: Variant summary: GUCY2D c.3025A>C (p.Met1009Leu) results in a conservative amino acid change located in the Adenylyl- / guanylyl cyclase, catalytic domain (IPR001054) of the encoded protein sequence. Four of five in-silico tools predict a damaging effect of the variant on protein function. The variant allele was found at a frequency of 8.1e-06 in 246318 control chromosomes. c.3025A>C has been reported in the literature in compound heterozygous individuals affected with Leber Congenital Amaurosis (Perrault_2000, Biswas_2021). These data indicate that the variant may be associated with disease. At least one publication reports experimental evidence evaluating an impact on protein function. The most pronounced variant effect results in failure of GUCY2D-containing protein complex translocation to the plasma membrane (Zulliger_2015). The following publications have been ascertained in the context of this evaluation (PMID: 34662339, 10951519, 25477517). ClinVar contains an entry for this variant (Variation ID: 866787). Based on the evidence outlined above, the variant was classified as likely pathogenic.

Blueprint Genetics
Classification: Pathogenic for GUCY2D-related disorders. Last evaluated: 2024-01-11. Review status: criteria provided, single submitter. Criteria: ACMG Guidelines, 2015. Collection method: clinical testing. Allele origin: germline. Affected: yes. Observed: 4 variant alleles.

GeneDx
Classification: Pathogenic. Last evaluated: 2022-09-21. Review status: criteria provided, single submitter. Criteria: GeneDx Variant Classification Process June 2021. Collection method: clinical testing. Allele origin: germline. Affected: yes.
Comment: Published functional studies demonstrate a damaging effect as the variant is not localized to the plasma membrane and fails to bind RD3, inhibiting complex formation (Zulliger R et al., 2015); Not observed at significant frequency in large population cohorts (gnomAD); In silico analysis supports that this missense variant has a deleterious effect on protein structure/function; This variant is associated with the following publications: (PMID: 25477517, 10951519)

Diagnostics Centre, Carl Von Ossietzky University Oldenburg
Classification: Likely pathogenic. Last evaluated: 2026-07-17. Review status: no assertion criteria provided. Collection method: clinical testing. Allele origin: germline. Affected: yes. Observed: 1 variant allele, 1 compound heterozygote. Not counted in ClinVar's aggregate classification.

Literature cited by the submitters: PubMed 34662339 (cited by Women's Health and Genetics/Laboratory Corporation of America, LabCorp); PubMed 25477517 (cited by Women's Health and Genetics/Laboratory Corporation of America, LabCorp); PubMed 10951519 (cited by Women's Health and Genetics/Laboratory Corporation of America, LabCorp).